The following is an entry in ClinVar:

ClinVar aggregate classification (germline): Pathogenic (1 of 4 stars; one submission).

Submission:

Illumina Laboratory Services, Illumina
Classification: Pathogenic. Last evaluated: 2020-05-08. Review status: criteria provided, single submitter. Criteria: ICSL CNVClassificationCriteria Jul2020Prior. Collection method: clinical testing. Allele origin: unknown.
Comment: This CNV is a 3.8 Mb deletion on the X chromosome at Xp11.3-11.4, (seq[GRCh37]del(X)(p11.3p11.4); chrX:g.42069104_45843277del), and was found in a de novo state. This event fully encompasses 15 genes, including two genes associated with X-linked neurodevelopmental disorders where loss of function is an established mechanism of disease, KDM6A and NDP (Rehm et al. 2015). Variants in the KDM6A gene are associated with the X-linked form of Kabuki syndrome, a neurodevelopmental syndrome characterized by distinctive facial features, skeletal anomalies, persistent fetal fingertip pads, growth deficiency and variable intellectual disability. Additional features may include vision issues, hearing loss, oral clefts, dental issues, genitourinary, gastrointestinal and cardiac defects, immune disorders, endocrine disorders, structural brain abnormalities and seizures. Reduced penetrance and variable expressivity are reported in females with disease causing KDM6A variants (Adam et al. 2011). Variants in the NDP gene are associated with Norrie disease, a syndromic disorder characterized by congenital visual impairment with distinctive ocular features in conjunction with developmental delay, intellectual disability, behavioral issues or hearing loss, as well as isolated ocular disorders, most commonly familial exudative vitreoretinopathy (FEVR). These disorders are generally inherited in an X-linked recessive manner although female can occasional show features of the associated disorders (Sims et al. 1999). Additional genes fully encompassed by this event include MAOA and MAOB, which encode for the monoamine oxidase enzymes A and B respectively, which may contribute to neurodevelopmental phenotypes, particularly in males with deletions in this region which impact both genes (Whibley et al. 2010; O'Leary et al. 2012). Although the available evidence does not suggest that this represents a recurrent deletion with common breakpoints, overlapping events have been reported in individuals with syndromic neurodevelopmental disorders in publicly available datasets including ClinVar and DECIPHER (Firth et al. 2009; Landrum et al. 2018). Additionally, similar events which extended into the CASK gene have been described in at least two female children with features including developmental delay, seizures, microcephaly, dysmorphic facial features, coloboma, cleft palate, microretrognathia, ear anomalies, scoliosis, hand anomalies and abnormal brain imaging (Froyen et al. 2007; Hayashi et al. 2008). Based on the collective evidence, this CNV is classified as pathogenic.

Literature cited by the submitters: PubMed 17546640; PubMed 18629876; PubMed 19344873; PubMed 20301506; PubMed 20485326; PubMed 21882399; PubMed 22365943; PubMed 29165669; PubMed 26014595.

GRCh37/hg19 Xp11.4-11.3(chrX:42069104-45843277)x1

Genes: DIPK2B (divergent protein kinase domain 2B; minus strand), DUSP21 (dual specificity phosphatase 21; plus strand), EFHC2 (EF-hand domain containing 2; minus strand), FUNDC1 (FUN14 domain containing 1; minus strand), KDM6A (lysine demethylase 6A; plus strand) and 5 more. Cytogenetic location: Xp11.4-11.3.
Variant type: copy number loss.
Change: copy number 1 of chrX:42,069,104-45,843,277 (3.77 Mb, GRCh37 coordinates, 1-based), cytogenetic band Xp11.4-11.3.
Identifiers: ClinVar variation 1180516 (VCV001180516.4).